The following is an entry in ClinVar:

ClinVar aggregate classification (germline): Uncertain significance. Review status: criteria provided, multiple submitters, no conflicts (2 of 4 stars). 2 submissions from 2 submitters: Uncertain significance (2). Last evaluated 2025-05-22.

Conditions:
Cardiovascular phenotype. Identifiers: MedGen CN230736.
Arrhythmogenic right ventricular dysplasia 10. Also called: Arrhythmogenic Right Ventricular Dysplasia/Cardiomyopathy10; ARRHYTHMOGENIC RIGHT VENTRICULAR DYSPLASIA, FAMILIAL, 10; Arrhythmogenic right ventricular dysplasia/cardiomyopathy, type 10. Identifiers: MedGen C1857777, MONDO:0012434, OMIM 610193.

gnomAD v4.1: 3 of 1,605,978 alleles (0.00019%); highest among the groups gnomAD compares: Non-Finnish European, 0.00026%; no homozygotes.

Submissions (2):

Labcorp Genetics (formerly Invitae), Labcorp
Classification: Uncertain significance for Arrhythmogenic right ventricular dysplasia 10. Last evaluated: 2025-05-22. Review status: criteria provided, single submitter. Criteria: Invitae Variant Classification Sherloc (09022015). Collection method: clinical testing. Allele origin: germline.
Comment: This sequence change replaces glutamine, which is neutral and polar, with glutamic acid, which is acidic and polar, at codon 957 of the DSG2 protein (p.Gln957Glu). This variant is present in population databases (rs774371908, gnomAD 0.004%). This variant has not been reported in the literature in individuals affected with DSG2-related conditions. ClinVar contains an entry for this variant (Variation ID: 3505421). Invitae Evidence Modeling of protein sequence and biophysical properties (such as structural, functional, and spatial information, amino acid conservation, physicochemical variation, residue mobility, and thermodynamic stability) indicates that this missense variant is not expected to disrupt DSG2 protein function with a negative predictive value of 95%. In summary, the available evidence is currently insufficient to determine the role of this variant in disease. Therefore, it has been classified as a Variant of Uncertain Significance.

Ambry Genetics
Classification: Uncertain significance for Cardiovascular phenotype. Last evaluated: 2024-10-08. Review status: criteria provided, single submitter. Criteria: Ambry Variant Classification Scheme 2023. Collection method: clinical testing. Allele origin: germline.
Comment: The p.Q957E variant (also known as c.2869C>G), located in coding exon 15 of the DSG2 gene, results from a C to G substitution at nucleotide position 2869. The glutamine at codon 957 is replaced by glutamic acid, an amino acid with highly similar properties. This amino acid position is conserved. In addition, this alteration is predicted to be tolerated by in silico analysis. Based on the available evidence, the clinical significance of this variant remains unclear.

NM_001943.5(DSG2):c.2869C>G (p.Gln957Glu)

Genes: DSG2 (desmoglein 2; plus strand), DSG2-AS1 (DSG2 antisense RNA 1; minus strand). Cytogenetic location: 18q12.1.
Variant type: single nucleotide variant.
Coding change: c.2869C>G on transcript NM_001943.5 (MANE Select); coding-DNA position 2869, C replaced by G.
Protein change: p.Gln957Glu; replaces glutamine 957 with glutamic acid.
Molecular consequence: missense variant.
Genome position (GRCh38, 1-based): chr18:31,546,255, C>G. VCF-style: chr18-31546255-C-G. GRCh37 (hg19) VCF-style: chr18-29126218-C-G.
Other names: short protein forms Q957E.
Identifiers: ClinVar variation 3505421 (VCV003505421.3).
Genomic context (GRCh38, chr18:31,546,255, plus strand): 5'-GAAACTTCCTATGTCACAGGGTCCACTATGCCACCAACCACTGTGATCCTGGGTCCTAGC[C>G]AGCCACAGAGCCTTATTGTGACAGAGAGGGTGTATGCTCCAGCTTCTACCTTGGTAGATC-3'
Protein context (NP_001934.2, residues 947-967): PPTTVILGPS[Gln957Glu]PQSLIVTERV